The following is an entry in ClinVar:

NM_153252.5(BRWD3):c.2212C>A (p.Leu738Ile)

Gene: BRWD3 (bromodomain and WD repeat domain containing 3; minus strand). Cytogenetic location: Xq21.1.
Variant type: single nucleotide variant.
Coding change: c.2212C>A on transcript NM_153252.5 (MANE Select); coding-DNA position 2212, C replaced by A.
Protein change: p.Leu738Ile; replaces leucine 738 with isoleucine.
Molecular consequence: missense variant.
Genome position (GRCh38, 1-based): chrX:80,717,592, G>T on the plus strand (C>A on the coding strand, the complement: BRWD3 is on the minus strand). VCF-style: chrX-80717592-G-T. GRCh37 (hg19) VCF-style: chrX-79973091-G-T.
Other names: short protein forms L738I.
Identifiers: ClinVar variation 3369616 (VCV003369616.1).

ClinVar aggregate classification (germline): Uncertain significance (1 of 4 stars; one submission).

gnomAD v4.1: 1 of 1,208,905 alleles (0.000083%); highest among the groups gnomAD compares: African/African-American, 0.0018%; no homozygotes.

Submission:

GeneDx
Classification: Uncertain significance. Last evaluated: 2024-02-21. Review status: criteria provided, single submitter. Criteria: GeneDx Variant Classification Process June 2021. Collection method: clinical testing. Allele origin: germline. Affected: yes.
Comment: Not observed at significant frequency in large population cohorts (gnomAD); In silico analysis supports that this missense variant does not alter protein structure/function; Has not been previously published as pathogenic or benign to our knowledge